The following is an entry in ClinVar:

ClinVar aggregate classification (germline): Benign (1 of 4 stars; one submission).

Allele frequency attached by ClinVar (database versions not stated): gnomAD exomes 0.68357; gnomAD 0.74209; TOPMed 0.76930; 1000 Genomes Project 0.83986; 1000 Genomes Project 30x 0.84385.
gnomAD v4.1: 647,889 of 931,534 alleles (70%); highest among the groups gnomAD compares: African/African-American, 93%; 230,690 homozygotes.

Submission:

GeneDx
Classification: Benign. Last evaluated: 2018-06-14. Review status: criteria provided, single submitter. Criteria: GeneDx Variant Classification (06012015). Collection method: clinical testing. Allele origin: germline. Affected: yes.
Comment: This variant is considered likely benign or benign based on one or more of the following criteria: it is a conservative change, it occurs at a poorly conserved position in the protein, it is predicted to be benign by multiple in silico algorithms, and/or has population frequency not consistent with disease.

NM_006846.4(SPINK5):c.1888-145T>G

Gene: SPINK5 (serine peptidase inhibitor Kazal type 5; plus strand). Cytogenetic location: 5q32.
Variant type: single nucleotide variant.
Coding change: c.1888-145T>G on transcript NM_006846.4 (MANE Select); 145 bases into the intron before coding-DNA position 1888, T replaced by G.
Molecular consequence: intron variant.
Genome position (GRCh38, 1-based): chr5:148,114,217, T>G. VCF-style: chr5-148114217-T-G. GRCh37 (hg19) VCF-style: chr5-147493780-T-G.
Other names: c.1888-145T>G (NM_001127698.2, NM_001127699.2).
Identifiers: ClinVar variation 674424 (VCV000674424.1), dbSNP rs3815737, ClinGen allele CA128932196.